The following is an entry in ClinVar:

ClinVar aggregate classification (germline): Likely benign. Review status: criteria provided, multiple submitters, no conflicts (2 of 4 stars). 5 submissions from 5 submitters: Likely benign (5). Last evaluated 2025-11-03.

Conditions:
SLC26A1-related disorder. Also called: SLC26A1-related condition.
Nephrolithiasis, calcium oxalate. Also called: Calcium oxalate urolithiasis. Identifiers: MedGen C1833683, MONDO:0957318, HP:0008672.

Allele frequency attached by ClinVar (database versions not stated): gnomAD 0.00021; 1000 Genomes Project 30x 0.00031; TOPMed 0.00031; 1000 Genomes Project 0.00040.
gnomAD v4.1: 213 of 1,612,672 alleles (0.013%); highest among the groups gnomAD compares: Admixed American, 0.057%; 1 homozygote.

Submissions (5):

Labcorp Genetics (formerly Invitae), Labcorp
Classification: Likely benign. Last evaluated: 2025-11-03. Review status: criteria provided, single submitter. Criteria: Invitae Variant Classification Sherloc (09022015). Collection method: clinical testing. Allele origin: germline.

PreventionGenetics, part of Exact Sciences
Classification: Likely benign for SLC26A1-related condition. Last evaluated: 2024-12-04. Review status: criteria provided, single submitter. Criteria: ACMG Guidelines, 2015. Collection method: clinical testing. Allele origin: germline.
Comment: This variant is classified as likely benign based on ACMG/AMP sequence variant interpretation guidelines (Richards et al. 2015 PMID: 25741868, with internal and published modifications).

CeGaT Center for Human Genetics Tuebingen
Classification: Likely benign. Last evaluated: 2024-09-01. Review status: criteria provided, single submitter. Criteria: CeGaT Center For Human Genetics Tuebingen Variant Classification Criteria Version 2. Collection method: clinical testing. Allele origin: germline. Affected: yes. Observed: 2 variant alleles.
Comment: SLC26A1: BP4, BP7

Fulgent Genetics
Classification: Likely benign for Nephrolithiasis susceptibility caused by SLC26A1. Last evaluated: 2021-12-28. Review status: criteria provided, single submitter. Criteria: ACMG Guidelines, 2015. Collection method: clinical testing. Allele origin: unknown.

Breakthrough Genomics
Classification: Likely benign. Review status: criteria provided, single submitter. Criteria: ACMG Guidelines, 2015. Collection method: not provided. Allele origin: germline. Inheritance: Autosomal recessive inheritance. Affected: yes.

NM_022042.4(SLC26A1):c.432C>T (p.Ala144=)

Genes: IDUA (alpha-L-iduronidase; plus strand), SLC26A1 (solute carrier family 26 member 1; minus strand). Cytogenetic location: 4p16.3.
Variant type: single nucleotide variant.
Coding change: c.432C>T on transcript NM_022042.4 (MANE Select); coding-DNA position 432, C replaced by T.
Protein change: p.Ala144=; no amino-acid change (alanine 144 retained).
Molecular consequence: synonymous variant. On other transcripts: intron variant (1).
Genome position (GRCh38, 1-based): chr4:991,272, G>A on the plus strand (C>T on the coding strand, the complement: SLC26A1 is on the minus strand). VCF-style: chr4-991272-G-A. GRCh37 (hg19) VCF-style: chr4-985060-G-A.
Other names: c.432C>T, p.Ala144= (NM_134425.4, NM_213613.4); c.299+3323G>A (NM_000203.5); c.432C>T (NM_022042.3).
Identifiers: ClinVar variation 1091392 (VCV001091392.34), dbSNP rs143284684, ClinGen allele CA2801671.
Genomic context (GRCh38, chr4:991,272, plus strand): 5'-GCCGTTGAGGGTGCTGCTGTTGGCTCCGGGCTGCAGGCCGTCCTGGGAGGGGTCAAAGCC[G>A]GCCAGCTGGAGCTCCCGGTCCACCACCTGCCCCACCATGAGGCAAAGCAGGCTGAAGATG-3'
Protein context (NP_071325.2, residues 134-154): GQVVDRELQL[Ala144=]GFDPSQDGLQ